The following is an entry in ClinVar:

ClinVar aggregate classification (germline): Uncertain significance (1 of 4 stars; one submission).

Submission:

Labcorp Genetics (formerly Invitae), Labcorp
Classification: Uncertain significance. Last evaluated: 2024-03-07. Review status: criteria provided, single submitter. Criteria: Invitae Variant Classification Sherloc (09022015). Collection method: clinical testing. Allele origin: germline.
Comment: This sequence change replaces leucine, which is neutral and non-polar, with isoleucine, which is neutral and non-polar, at codon 501 of the CEP152 protein (p.Leu501Ile). This variant is not present in population databases (gnomAD no frequency). This variant has not been reported in the literature in individuals affected with CEP152-related conditions. Advanced modeling of protein sequence and biophysical properties (such as structural, functional, and spatial information, amino acid conservation, physicochemical variation, residue mobility, and thermodynamic stability) has been performed at Invitae for this missense variant, however the output from this modeling did not meet the statistical confidence thresholds required to predict the impact of this variant on CEP152 protein function. In summary, the available evidence is currently insufficient to determine the role of this variant in disease. Therefore, it has been classified as a Variant of Uncertain Significance.

NM_001194998.2(CEP152):c.1501T>A (p.Leu501Ile)

Gene: CEP152 (centrosomal protein 152; minus strand). Cytogenetic location: 15q21.1.
Variant type: single nucleotide variant.
Coding change: c.1501T>A on transcript NM_001194998.2 (MANE Select); coding-DNA position 1501, T replaced by A.
Protein change: p.Leu501Ile; replaces leucine 501 with isoleucine.
Molecular consequence: missense variant.
Genome position (GRCh38, 1-based): chr15:48,781,272, A>T on the plus strand (T>A on the coding strand, the complement: CEP152 is on the minus strand). VCF-style: chr15-48781272-A-T. GRCh37 (hg19) VCF-style: chr15-49073469-A-T.
Other names: c.1501T>A, p.Leu501Ile (NM_014985.4); short protein forms L501I.
Identifiers: ClinVar variation 3644994 (VCV003644994.2).
Genomic context (GRCh38, chr15:48,781,272, plus strand): 5'-TTTTCCAGTTGACCTTTTTAATACCCAAATCCACATACGATTCAGTGAGTTCTATATTTA[A>T]TTCTCCTTCTGAGTCACTTGGATGTATTCCTAGTTTTGCAGCAGATTCATAGAGAGAAAT-3'
Protein context (NP_001181927.1, residues 491-511): GIHPSDSEGE[Leu501Ile]NIELTESYVD